The following is an entry in ClinVar:

ClinVar aggregate classification (germline): Uncertain significance (1 of 4 stars; one submission).

Submission:

Labcorp Genetics (formerly Invitae), Labcorp
Classification: Uncertain significance. Last evaluated: 2022-06-27. Review status: criteria provided, single submitter. Criteria: Invitae Variant Classification Sherloc (09022015). Collection method: clinical testing. Allele origin: germline.
Comment: In summary, the available evidence is currently insufficient to determine the role of this variant in disease. Therefore, it has been classified as a Variant of Uncertain Significance. Algorithms developed to predict the effect of missense changes on protein structure and function (SIFT, PolyPhen-2, Align-GVGD) all suggest that this variant is likely to be tolerated. This variant has not been reported in the literature in individuals affected with SZT2-related conditions. This variant is not present in population databases (gnomAD no frequency). This sequence change replaces glycine, which is neutral and non-polar, with arginine, which is basic and polar, at codon 922 of the SZT2 protein (p.Gly922Arg).

NM_001365999.1(SZT2):c.2764G>A (p.Gly922Arg)

Gene: SZT2 (SZT2 subunit of KICSTOR complex; plus strand). Cytogenetic location: 1p34.2.
Variant type: single nucleotide variant.
Coding change: c.2764G>A on transcript NM_001365999.1 (MANE Select); coding-DNA position 2764, G replaced by A.
Protein change: p.Gly922Arg; replaces glycine 922 with arginine.
Molecular consequence: missense variant.
Genome position (GRCh38, 1-based): chr1:43,425,592, G>A. VCF-style: chr1-43425592-G-A. GRCh37 (hg19) VCF-style: chr1-43891263-G-A.
Other names: c.2764G>A, p.Gly922Arg (NM_015284.4); short protein forms G922R.
Identifiers: ClinVar variation 1913469 (VCV001913469.5), dbSNP rs2545816011, ClinGen allele CA340014344.